The following is an entry in ClinVar:

ClinVar aggregate classification (germline): Uncertain significance. Review status: criteria provided, multiple submitters, no conflicts (2 of 4 stars). 2 submissions from 2 submitters: Uncertain significance (2). Last evaluated 2023-12-06.

Conditions:
Hereditary cancer-predisposing syndrome. Also called: Neoplastic Syndromes, Hereditary; Tumor predisposition; Hereditary Cancer Syndrome; Hereditary neoplastic syndrome. Identifiers: Orphanet 140162, MedGen C0027672, MeSH D009386, MONDO:0015356.
Gastrointestinal stromal tumor. Also called: Gastrointestinal stromal tumor, somatic; Gastrointestinal stroma tumor. Identifiers: Orphanet 44890, MedGen C0238198, MeSH D046152, MONDO:0011719, OMIM 606764, HP:0100723.

Allele frequency attached by ClinVar (database versions not stated): gnomAD exomes below 0.00001.
gnomAD v4.1: 1 of 1,614,072 alleles (0.000062%); highest among the groups gnomAD compares: Non-Finnish European, 0.000085%; no homozygotes.

Submissions (2):

Labcorp Genetics (formerly Invitae), Labcorp
Classification: Uncertain significance for Gastrointestinal stromal tumor. Last evaluated: 2023-12-06. Review status: criteria provided, single submitter. Criteria: Invitae Variant Classification Sherloc (09022015). Collection method: clinical testing. Allele origin: germline.
Comment: This sequence change replaces isoleucine, which is neutral and non-polar, with threonine, which is neutral and polar, at codon 148 of the PDGFRA protein (p.Ile148Thr). This variant is not present in population databases (gnomAD no frequency). This variant has not been reported in the literature in individuals affected with PDGFRA-related conditions. ClinVar contains an entry for this variant (Variation ID: 1740620). Advanced modeling of protein sequence and biophysical properties (such as structural, functional, and spatial information, amino acid conservation, physicochemical variation, residue mobility, and thermodynamic stability) performed at Invitae indicates that this missense variant is not expected to disrupt PDGFRA protein function with a negative predictive value of 80%. In summary, the available evidence is currently insufficient to determine the role of this variant in disease. Therefore, it has been classified as a Variant of Uncertain Significance.

Ambry Genetics
Classification: Uncertain significance for Hereditary cancer-predisposing syndrome. Last evaluated: 2022-09-30. Review status: criteria provided, single submitter. Criteria: Ambry Variant Classification Scheme 2023. Collection method: clinical testing. Allele origin: germline.
Comment: The p.I148T variant (also known as c.443T>C), located in coding exon 3 of the PDGFRA gene, results from a T to C substitution at nucleotide position 443. The isoleucine at codon 148 is replaced by threonine, an amino acid with similar properties. This amino acid position is conserved. In addition, the in silico prediction for this alteration is inconclusive. Since supporting evidence is limited at this time, the clinical significance of this alteration remains unclear.

NM_006206.6(PDGFRA):c.443T>C (p.Ile148Thr)

Gene: PDGFRA (platelet derived growth factor receptor alpha; plus strand). Cytogenetic location: 4q12.
Variant type: single nucleotide variant.
Coding change: c.443T>C on transcript NM_006206.6 (MANE Select); coding-DNA position 443, T replaced by C.
Protein change: p.Ile148Thr; replaces isoleucine 148 with threonine.
Molecular consequence: missense variant.
Genome position (GRCh38, 1-based): chr4:54,263,742, T>C. VCF-style: chr4-54263742-T-C. GRCh37 (hg19) VCF-style: chr4-55129909-T-C.
Other names: c.443T>C, p.Ile148Thr (NM_001347827.2, NM_001347829.2); c.518T>C, p.Ile173Thr (NM_001347828.2); c.482T>C, p.Ile161Thr (NM_001347830.2); short protein forms I161T, I148T, I173T.
Identifiers: ClinVar variation 1740620 (VCV001740620.5), dbSNP rs2110251438, ClinGen allele CA356889837.
Genomic context (GRCh38, chr4:54,263,742, plus strand): 5'-TTGTACCTCTAGGAATGACGGATTATTTAGTCATCGTGGAGGATGATGATTCTGCCATTA[T>C]ACCTTGTCGCACAACTGATCCCGAGACTCCTGTAACCTTACACAACAGTGAGGGGGTGGT-3'
Protein context (NP_006197.1, residues 138-158): VIVEDDDSAI[Ile148Thr]PCRTTDPETP